The following is an entry in ClinVar:

NM_004104.5(FASN):c.6709G>C (p.Val2237Leu)

Gene: FASN (fatty acid synthase; minus strand). Cytogenetic location: 17q25.3.
Variant type: single nucleotide variant.
Coding change: c.6709G>C on transcript NM_004104.5 (MANE Select); coding-DNA position 6709, G replaced by C.
Protein change: p.Val2237Leu; replaces valine 2237 with leucine.
Molecular consequence: missense variant.
Genome position (GRCh38, 1-based): chr17:82,080,809, C>G on the plus strand (G>C on the coding strand, the complement: FASN is on the minus strand). VCF-style: chr17-82080809-C-G. GRCh37 (hg19) VCF-style: chr17-80038685-C-G.
Other names: short protein forms V2237L.
Identifiers: ClinVar variation 4696457 (VCV004696457.1).
Genomic context (GRCh38, chr17:82,080,809, plus strand): 5'-ACACGGTGGTGGAGCCCTCGATTGGGTGCACCAGGAACAGGGGCCGCTCCGAGCTCTGCA[C>G]GGAGTTGAGCCGCATCAGGGTGGGGCCCTCCGGGTTCACCAGCAGGGAGCGCAGGTTCAG-3'
Protein context (NP_004095.4, residues 2227-2247): EGPTLMRLNS[Val2237Leu]QSSERPLFLV

ClinVar aggregate classification (germline): Uncertain significance (1 of 4 stars; one submission).

Conditions:
Epileptic encephalopathy. Identifiers: MedGen C0543888, HP:0200134.

gnomAD v4.1: 3 of 1,608,718 alleles (0.00019%); highest among the groups gnomAD compares: Middle Eastern, 0.017%; no homozygotes.

Submission:

Labcorp Genetics (formerly Invitae), Labcorp
Classification: Uncertain significance for Epileptic encephalopathy. Last evaluated: 2025-07-15. Review status: criteria provided, single submitter. Criteria: Invitae Variant Classification Sherloc (09022015). Collection method: clinical testing. Allele origin: germline.
Comment: This sequence change replaces valine, which is neutral and non-polar, with leucine, which is neutral and non-polar, at codon 2237 of the FASN protein (p.Val2237Leu). This variant is not present in population databases (gnomAD no frequency). This variant has not been reported in the literature in individuals affected with FASN-related conditions. An algorithm developed to predict the effect of missense changes on protein structure and function (PolyPhen-2) suggests that this variant is likely to be tolerated. In summary, the available evidence is currently insufficient to determine the role of this variant in disease. Therefore, it has been classified as a Variant of Uncertain Significance.